The following is an entry in ClinVar:

NM_000126.4(ETFA):c.882+6T>G

Gene: ETFA (electron transfer flavoprotein subunit alpha; minus strand). Cytogenetic location: 15q24.2.
Variant type: single nucleotide variant.
Coding change: c.882+6T>G on transcript NM_000126.4 (MANE Select); 6 bases into the intron after coding-DNA position 882, T replaced by G.
Molecular consequence: intron variant.
Genome position (GRCh38, 1-based): chr15:76,231,327, A>C on the plus strand (T>G on the coding strand, the complement: ETFA is on the minus strand). VCF-style: chr15-76231327-A-C. GRCh37 (hg19) VCF-style: chr15-76523668-A-C.
Other names: c.735+6T>G (NM_001127716.2).
Identifiers: ClinVar variation 644693 (VCV000644693.7), dbSNP rs746311782, ClinGen allele CA7673585.

ClinVar aggregate classification (germline): Uncertain significance. Review status: criteria provided, single submitter (1 of 4 stars). 2 submissions from 2 submitters: Uncertain significance (1). 1 of the submissions does not count toward it. Last evaluated 2021-08-26.

Conditions:
Glutaric acidemia type 2A.
Multiple acyl-CoA dehydrogenase deficiency (MADD). Also called: ETHYLMALONIC-ADIPICACIDURIA; GA II; Glutaric Acidemia type 2; Glutaric aciduria, type 2; Glutaric acidemia type II; GA 2. Identifiers: Orphanet 26791, MedGen C0268596, MONDO:0009282, OMIM 231680.

Allele frequency attached by ClinVar (database versions not stated): gnomAD exomes below 0.00001; ExAC 0.00001.
gnomAD v4.1: 4 of 1,573,410 alleles (0.00025%); highest among the groups gnomAD compares: East Asian, 0.0022%; no homozygotes.

Submissions (2):

Labcorp Genetics (formerly Invitae), Labcorp
Classification: Uncertain significance for Multiple acyl-CoA dehydrogenase deficiency. Last evaluated: 2021-08-26. Review status: criteria provided, single submitter. Criteria: Invitae Variant Classification Sherloc (09022015). Collection method: clinical testing. Allele origin: germline.
Comment: This sequence change falls in intron 10 of the ETFA gene. It does not directly change the encoded amino acid sequence of the ETFA protein. It affects a nucleotide within the consensus splice site of the intron. This variant is present in population databases (rs746311782, ExAC 0.006%). This variant has not been reported in the literature in individuals affected with ETFA-related conditions. Variants that disrupt the consensus splice site are a relatively common cause of aberrant splicing (PMID: 17576681, 9536098). Algorithms developed to predict the effect of sequence changes on RNA splicing suggest that this variant is not likely to affect RNA splicing. In summary, the available evidence is currently insufficient to determine the role of this variant in disease. Therefore, it has been classified as a Variant of Uncertain Significance.

Natera, Inc.
Classification: Uncertain significance for Glutaric acidemia type 2A. Last evaluated: 2020-03-26. Review status: no assertion criteria provided. Collection method: clinical testing. Allele origin: germline. Not counted in ClinVar's aggregate classification.

Literature cited by the submitters: PubMed 17576681 (cited by Labcorp Genetics (formerly Invitae), Labcorp); PubMed 9536098 (cited by Labcorp Genetics (formerly Invitae), Labcorp).